The following is an entry in ClinVar:

ClinVar aggregate classification (germline): Uncertain significance. Review status: criteria provided, multiple submitters, no conflicts (2 of 4 stars). 2 submissions from 2 submitters: Uncertain significance (2). Last evaluated 2025-05-20.

Conditions:
Inborn genetic diseases. Identifiers: MedGen C0950123, MeSH D030342.

gnomAD v4.1: 39 of 1,613,656 alleles (0.0024%); highest among the groups gnomAD compares: Non-Finnish European, 0.0031%; no homozygotes.

Submissions (2):

Ambry Genetics
Classification: Uncertain significance for Inborn genetic diseases. Last evaluated: 2025-05-20. Review status: criteria provided, single submitter. Criteria: Ambry Variant Classification Scheme 2023. Collection method: clinical testing. Allele origin: germline.

GeneDx
Classification: Uncertain significance. Last evaluated: 2024-08-30. Review status: criteria provided, single submitter. Criteria: GeneDx Variant Classification Process June 2021. Collection method: clinical testing. Allele origin: germline. Affected: yes.
Comment: Not observed at significant frequency in large population cohorts (gnomAD); In silico analysis indicates that this missense variant does not alter protein structure/function; Has not been previously published as pathogenic or benign to our knowledge

NM_001160372.4(TRAPPC9):c.1499A>G (p.Lys500Arg)

Gene: TRAPPC9 (trafficking protein particle complex subunit 9; minus strand). Cytogenetic location: 8q24.3.
Variant type: single nucleotide variant.
Coding change: c.1499A>G on transcript NM_001160372.4 (MANE Select); coding-DNA position 1499, A replaced by G.
Protein change: p.Lys500Arg; replaces lysine 500 with arginine.
Molecular consequence: missense variant. On other transcripts: non-coding transcript variant (1).
Genome position (GRCh38, 1-based): chr8:140,311,371, T>C on the plus strand (A>G on the coding strand, the complement: TRAPPC9 is on the minus strand). VCF-style: chr8-140311371-T-C. GRCh37 (hg19) VCF-style: chr8-141321470-T-C.
Other names: c.1472A>G, p.Lys491Arg (NM_001321646.2); c.1520A>G, p.Lys507Arg (NM_001374682.1); c.1499A>G, p.Lys500Arg (NM_001374683.1, NM_031466.8); c.1355A>G, p.Lys452Arg (NM_001374684.1); short protein forms K452R, K491R, K500R, K507R.
Identifiers: ClinVar variation 3767676 (VCV003767676.2).
Genomic context (GRCh38, chr8:140,311,371, plus strand): 5'-GGCTCCATGGTCCCAGGACACTTGGACGTATAGTTCTCTAGGCTTTGGGCCACATCTTTC[T>C]TTTCTGAAGAGAAGATGAAAACAAAATAAAGATGTATTAGGCAAAAGTCAAAGTGGCTGG-3'
Protein context (NP_001153844.1, residues 490-510): TMLDFLSDQE[Lys500Arg]KDVAQSLENY